The following is an entry in ClinVar:

NM_000051.4(ATM):c.7090-3A>G

Genes: C11orf65 (chromosome 11 open reading frame 65; minus strand), ATM (ATM serine/threonine kinase; plus strand). Cytogenetic location: 11q22.3.
Variant type: single nucleotide variant.
Coding change: c.7090-3A>G on transcript NM_000051.4 (MANE Select); 3 bases into the intron before coding-DNA position 7090, A replaced by G.
Molecular consequence: intron variant.
Genome position (GRCh38, 1-based): chr11:108,329,018, A>G. VCF-style: chr11-108329018-A-G. GRCh37 (hg19) VCF-style: chr11-108199745-A-G.
Other names: c.7090-3A>G (NM_001351834.2); c.641-19947T>C (NM_001330368.2); c.*38+6202T>C (NM_001351110.2).
Identifiers: ClinVar variation 3661187 (VCV003661187.2).

ClinVar aggregate classification (germline): Uncertain significance (1 of 4 stars; one submission).

Conditions:
Ataxia-telangiectasia syndrome (AT). Also called: Ataxia-telangiectasia, complementation group D; AT, COMPLEMENTATION GROUP C; ATAXIA-TELANGIECTASIA, COMPLEMENTATION GROUP A; ATAXIA-TELANGIECTASIA, FRESNO VARIANT; Ataxia-telangiectasia; Ataxia-telangiectasia, complementation group E. Identifiers: Orphanet 100, MedGen C0004135, MONDO:0008840, OMIM 208900.

Submission:

Labcorp Genetics (formerly Invitae), Labcorp
Classification: Uncertain significance for Ataxia-telangiectasia syndrome. Last evaluated: 2024-08-01. Review status: criteria provided, single submitter. Criteria: Invitae Variant Classification Sherloc (09022015). Collection method: clinical testing. Allele origin: germline.
Comment: This sequence change falls in intron 48 of the ATM gene. It does not directly change the encoded amino acid sequence of the ATM protein. It affects a nucleotide within the consensus splice site. This variant is not present in population databases (gnomAD no frequency). This variant has not been reported in the literature in individuals affected with ATM-related conditions. Variants that disrupt the consensus splice site are a relatively common cause of aberrant splicing (PMID: 17576681, 9536098). Algorithms developed to predict the effect of sequence changes on RNA splicing suggest that this variant may disrupt the consensus splice site. In summary, the available evidence is currently insufficient to determine the role of this variant in disease. Therefore, it has been classified as a Variant of Uncertain Significance.

Literature cited by the submitters: PubMed 17576681; PubMed 9536098.